The following is an entry in ClinVar:

ClinVar aggregate classification (germline): Uncertain significance. Review status: criteria provided, multiple submitters, no conflicts (2 of 4 stars). 2 submissions from 2 submitters: Uncertain significance (2). Last evaluated 2025-08-22.

Conditions:
Inborn genetic diseases. Identifiers: MedGen C0950123, MeSH D030342.

Allele frequency attached by ClinVar (database versions not stated): gnomAD exomes below 0.00001; gnomAD 0.00001; TOPMed 0.00001.
gnomAD v4.1: 4 of 1,611,936 alleles (0.00025%); highest among the groups gnomAD compares: African/African-American, 0.0027%; no homozygotes.

Submissions (2):

Ambry Genetics
Classification: Uncertain significance for Inborn genetic diseases. Last evaluated: 2025-08-22. Review status: criteria provided, single submitter. Criteria: Ambry Variant Classification Scheme 2023. Collection method: clinical testing. Allele origin: germline.

Labcorp Genetics (formerly Invitae), Labcorp
Classification: Uncertain significance. Last evaluated: 2020-07-27. Review status: criteria provided, single submitter. Criteria: Invitae Variant Classification Sherloc (09022015). Collection method: clinical testing. Allele origin: germline.
Comment: This sequence change replaces cysteine with tyrosine at codon 139 of the KCNV2 protein (p.Cys139Tyr). The cysteine residue is highly conserved and there is a large physicochemical difference between cysteine and tyrosine. This variant is not present in population databases (ExAC no frequency). This variant has not been reported in the literature in individuals with KCNV2-related conditions. Algorithms developed to predict the effect of missense changes on protein structure and function are either unavailable or do not agree on the potential impact of this missense change (SIFT: "Deleterious"; PolyPhen-2: "Probably Damaging"; Align-GVGD: "Class C0"). In summary, the available evidence is currently insufficient to determine the role of this variant in disease. Therefore, it has been classified as a Variant of Uncertain Significance.

NM_133497.4(KCNV2):c.416G>A (p.Cys139Tyr)

Gene: KCNV2 (potassium voltage-gated channel modifier subfamily V member 2; plus strand). Cytogenetic location: 9p24.2.
Variant type: single nucleotide variant.
Coding change: c.416G>A on transcript NM_133497.4 (MANE Select); coding-DNA position 416, G replaced by A.
Protein change: p.Cys139Tyr; replaces cysteine 139 with tyrosine.
Molecular consequence: missense variant.
Genome position (GRCh38, 1-based): chr9:2,718,155, G>A. VCF-style: chr9-2718155-G-A. GRCh37 (hg19) VCF-style: chr9-2718155-G-A.
Other names: c.416G>A (NM_133497.3); short protein forms C139Y.
Identifiers: ClinVar variation 1025694 (VCV001025694.9), dbSNP rs1362037820, ClinGen allele CA372796900.